The following is an entry in ClinVar:

ClinVar aggregate classification (germline): Uncertain significance (1 of 4 stars; one submission).

Conditions:
Wilson disease (WND). Also called: Wilson's disease. Identifiers: Orphanet 905, MedGen C0019202, MONDO:0010200, OMIM 277900. Disease mechanism: loss of function.

Submission:

All of Us Research Program, National Institutes of Health
Classification: Uncertain significance for Wilson disease. Last evaluated: 2023-04-03. Review status: criteria provided, single submitter. Criteria: ACMG Guidelines, 2015. Collection method: clinical testing. Allele origin: germline. Inheritance: Autosomal recessive inheritance. Observed: 1 variant allele, 1 heterozygote.
Comment: This missense variant replaces valine with phenylalanine at codon 184 of the ATP7B protein. Computational prediction suggests that this variant may not impact protein structure and function (internally defined REVEL score threshold <= 0.5, PMID: 27666373). To our knowledge, functional studies have not been reported for this variant. This variant has not been reported in individuals affected with ATP7B-related disorders in the literature. This variant has not been identified in the general population by the Genome Aggregation Database (gnomAD). The available evidence is insufficient to determine the role of this variant in disease conclusively. Therefore, this variant is classified as a Variant of Uncertain Significance.

This study involves interpretation of variants in research participants for the purpose of population health screening. Participant phenotype was not available at the time of variant classification. Additional details can be found in publication PMID: 35346344, PMCID: PMC8962531

NM_000053.4(ATP7B):c.550G>T (p.Val184Phe)

Gene: ATP7B (ATPase copper transporting beta; minus strand). Cytogenetic location: 13q14.3.
Variant type: single nucleotide variant.
Coding change: c.550G>T on transcript NM_000053.4 (MANE Select); coding-DNA position 550, G replaced by T.
Protein change: p.Val184Phe; replaces valine 184 with phenylalanine.
Molecular consequence: missense variant.
Genome position (GRCh38, 1-based): chr13:51,974,670, C>A on the plus strand (G>T on the coding strand, the complement: ATP7B is on the minus strand). VCF-style: chr13-51974670-C-A. GRCh37 (hg19) VCF-style: chr13-52548806-C-A.
Other names: c.550G>T, p.Val184Phe (NM_001406538.1, NM_001406540.1, NM_001406541.1 and 30 more transcripts); c.454G>T, p.Val152Phe (NM_001406539.1, NM_001406543.1, NM_001406544.1 and 4 more transcripts); short protein forms V152F, V184F.
Identifiers: ClinVar variation 3070108 (VCV003070108.1), dbSNP rs199634511, ClinGen allele CA388042760.